The following is an entry in ClinVar:

ClinVar aggregate classification (germline): Uncertain significance (1 of 4 stars; one submission).

Conditions:
Cardiovascular phenotype. Identifiers: MedGen CN230736.

gnomAD v4.1: 9 of 1,613,426 alleles (0.00056%); highest among the groups gnomAD compares: South Asian, 0.0066%; no homozygotes.

Submission:

Ambry Genetics
Classification: Uncertain significance for Cardiovascular phenotype. Last evaluated: 2026-07-13. Review status: criteria provided, single submitter. Criteria: Ambry Variant Classification Scheme 2023. Collection method: clinical testing. Allele origin: germline.
Comment: The p.M281V variant (also known as c.841A>G), located in coding exon 9 of the LDLRAP1 gene, results from an A to G substitution at nucleotide position 841. The methionine at codon 281 is replaced by valine, an amino acid with highly similar properties. This amino acid position is conserved. In addition, this alteration is predicted to be tolerated by in silico analysis. Based on the available evidence, the clinical significance of this variant remains unclear.

NM_015627.3(LDLRAP1):c.841A>G (p.Met281Val)

Gene: LDLRAP1 (low density lipoprotein receptor adaptor protein 1; plus strand). Cytogenetic location: 1p36.11.
Variant type: single nucleotide variant.
Coding change: c.841A>G on transcript NM_015627.3 (MANE Select); coding-DNA position 841, A replaced by G.
Protein change: p.Met281Val; replaces methionine 281 with valine.
Molecular consequence: missense variant.
Genome position (GRCh38, 1-based): chr1:25,566,906, A>G. VCF-style: chr1-25566906-A-G. GRCh37 (hg19) VCF-style: chr1-25893397-A-G.
Other names: short protein forms M281V.
Identifiers: ClinVar variation 5023560 (VCV005023560.1).